The following is an entry in ClinVar:

NM_203288.2(RP9):c.400A>G (p.Arg134Gly)

Gene: RP9 (RP9 pre-mRNA splicing factor; minus strand). Cytogenetic location: 7p14.3.
Variant type: single nucleotide variant.
Coding change: c.400A>G on transcript NM_203288.2 (MANE Select); coding-DNA position 400, A replaced by G.
Protein change: p.Arg134Gly; replaces arginine 134 with glycine.
Molecular consequence: missense variant.
Genome position (GRCh38, 1-based): chr7:33,097,276, T>C on the plus strand (A>G on the coding strand, the complement: RP9 is on the minus strand). VCF-style: chr7-33097276-T-C. GRCh37 (hg19) VCF-style: chr7-33136888-T-C.
Other names: short protein forms R134G.
Identifiers: ClinVar variation 2858341 (VCV002858341.3), dbSNP rs2534911036, ClinGen allele CA367181850.

ClinVar aggregate classification (germline): Uncertain significance (1 of 4 stars; one submission).

Submission:

Labcorp Genetics (formerly Invitae), Labcorp
Classification: Uncertain significance. Last evaluated: 2023-04-22. Review status: criteria provided, single submitter. Criteria: Invitae Variant Classification Sherloc (09022015). Collection method: clinical testing. Allele origin: germline.
Comment: In summary, the available evidence is currently insufficient to determine the role of this variant in disease. Therefore, it has been classified as a Variant of Uncertain Significance. This sequence change replaces arginine, which is basic and polar, with glycine, which is neutral and non-polar, at codon 134 of the RP9 protein (p.Arg134Gly). This variant is not present in population databases (gnomAD no frequency). This variant has not been reported in the literature in individuals affected with RP9-related conditions. An algorithm developed to predict the effect of missense changes on protein structure and function (PolyPhen-2) suggests that this variant is likely to be tolerated.